The following is an entry in ClinVar:

ClinVar aggregate classification (germline): Uncertain significance (1 of 4 stars; one submission).

Submission:

Labcorp Genetics (formerly Invitae), Labcorp
Classification: Uncertain significance. Last evaluated: 2024-11-13. Review status: criteria provided, single submitter. Criteria: Invitae Variant Classification Sherloc (09022015). Collection method: clinical testing. Allele origin: germline.
Comment: This variant, c.1326_1327delinsAA, is a complex sequence change that results in the deletion of 2 and insertion of 2 amino acid(s) in the FLNB protein (p.Phe442_Val443delinsLeuIle). Information on the frequency of this variant in the gnomAD database is not available, as this variant may be reported differently in the database. This variant has not been reported in the literature in individuals affected with FLNB-related conditions. Experimental studies and prediction algorithms are not available or were not evaluated, and the functional significance of this variant is currently unknown. In summary, the available evidence is currently insufficient to determine the role of this variant in disease. Therefore, it has been classified as a Variant of Uncertain Significance.

NM_001457.4(FLNB):c.1326_1327delinsAA (p.Phe442_Val443delinsLeuIle)

Gene: FLNB (filamin B; plus strand). Cytogenetic location: 3p14.3.
Variant type: Indel.
Coding change: c.1326_1327delinsAA on transcript NM_001457.4 (MANE Select); coding-DNA positions 1326 to 1327, CG replaced by AA.
Protein change: p.Phe442_Val443delinsLeuIle.
Molecular consequence: missense variant.
Genome position (GRCh38, 1-based): chr3:58,098,889-58,098,890, CG replaced by AA. VCF-style: chr3-58098889-CG-AA. GRCh37 (hg19) VCF-style: chr3-58084616-CG-AA.
Other names: c.1326_1327delinsAA, p.Phe442_Val443delinsLeuIle (NM_001164317.2, NM_001164318.2, NM_001164319.2).
Identifiers: ClinVar variation 3725128 (VCV003725128.2).